The following is an entry in ClinVar:

NM_152703.5(SAMD9L):c.3950G>A (p.Ser1317Asn)

Gene: SAMD9L (sterile alpha motif domain containing 9 like; minus strand). Cytogenetic location: 7q21.2.
Variant type: single nucleotide variant.
Coding change: c.3950G>A on transcript NM_152703.5 (MANE Select); coding-DNA position 3950, G replaced by A.
Protein change: p.Ser1317Asn; replaces serine 1317 with asparagine.
Molecular consequence: missense variant.
Genome position (GRCh38, 1-based): chr7:93,132,022, C>T on the plus strand (G>A on the coding strand, the complement: SAMD9L is on the minus strand). VCF-style: chr7-93132022-C-T. GRCh37 (hg19) VCF-style: chr7-92761335-C-T.
Other names: c.3950G>A, p.Ser1317Asn (NM_001303496.3, NM_001303497.3, NM_001303498.3 and 5 more transcripts); short protein forms S1317N.
Identifiers: ClinVar variation 4159308 (VCV004159308.1).

ClinVar aggregate classification (germline): Uncertain significance (1 of 4 stars; one submission).

Conditions:
Inborn genetic diseases. Identifiers: MedGen C0950123, MeSH D030342.

Submission:

Ambry Genetics
Classification: Uncertain significance for Inborn genetic diseases. Last evaluated: 2025-07-07. Review status: criteria provided, single submitter. Criteria: Ambry Variant Classification Scheme 2023. Collection method: clinical testing. Allele origin: germline.
Comment: The p.S1317N variant (also known as c.3950G>A), located in coding exon 1 of the SAMD9L gene, results from a G to A substitution at nucleotide position 3950. The serine at codon 1317 is replaced by asparagine, an amino acid with highly similar properties. This amino acid position is conserved. In addition, this alteration is predicted to be tolerated by in silico analysis. Based on the available evidence, the clinical significance of this variant remains unclear.